The following is an entry in ClinVar:

ClinVar aggregate classification (germline): Uncertain significance (1 of 4 stars; one submission).

Conditions:
Salla disease (SD). Also called: Less Severe FSASD (Salla Disease); Sialuria, Finnish type; N-acetylneuraminic acid (NANA) storage disease (NSD); Infantile sialic acid storage disorder (ISSD). Identifiers: Orphanet 309334, Orphanet 834, MedGen C1096903, MONDO:0011449, OMIM 604369.

Allele frequency attached by ClinVar (database versions not stated): TOPMed below 0.00001; ExAC 0.00001; gnomAD 0.00001; gnomAD exomes 0.00001; ESP Exome Variant Server 0.00008.
gnomAD v4.1: 6 of 1,613,772 alleles (0.00037%); highest among the groups gnomAD compares: Admixed American, 0.0083%; no homozygotes.

Submission:

Labcorp Genetics (formerly Invitae), Labcorp
Classification: Uncertain significance for Salla disease. Last evaluated: 2022-08-30. Review status: criteria provided, single submitter. Criteria: Invitae Variant Classification Sherloc (09022015). Collection method: clinical testing. Allele origin: germline.
Comment: This sequence change replaces aspartic acid, which is acidic and polar, with glycine, which is neutral and non-polar, at codon 66 of the SLC17A5 protein (p.Asp66Gly). This variant is present in population databases (rs367903680, gnomAD 0.01%). This variant has not been reported in the literature in individuals affected with SLC17A5-related conditions. Algorithms developed to predict the effect of missense changes on protein structure and function are either unavailable or do not agree on the potential impact of this missense change (SIFT: "Deleterious"; PolyPhen-2: "Benign"; Align-GVGD: "Class C0"). Algorithms developed to predict the effect of sequence changes on RNA splicing suggest that this variant may create or strengthen a splice site. In summary, the available evidence is currently insufficient to determine the role of this variant in disease. Therefore, it has been classified as a Variant of Uncertain Significance.

NM_012434.5(SLC17A5):c.197A>G (p.Asp66Gly)

Gene: SLC17A5 (solute carrier family 17 member 5; minus strand). Cytogenetic location: 6q13.
Variant type: single nucleotide variant.
Coding change: c.197A>G on transcript NM_012434.5 (MANE Select); coding-DNA position 197, A replaced by G.
Protein change: p.Asp66Gly; replaces aspartic acid 66 with glycine.
Molecular consequence: missense variant. On other transcripts: intron variant (2).
Genome position (GRCh38, 1-based): chr6:73,644,501, T>C on the plus strand (A>G on the coding strand, the complement: SLC17A5 is on the minus strand). VCF-style: chr6-73644501-T-C. GRCh37 (hg19) VCF-style: chr6-74354224-T-C.
Other names: c.197A>G, p.Asp66Gly (NM_001382630.1, NM_001382632.1, NM_001382633.1 and 2 more transcripts); c.218A>G, p.Asp73Gly (NM_001382631.1); c.61-2577A>G (NM_001382636.1, NM_001382629.1); short protein forms D66G, D73G.
Identifiers: ClinVar variation 2166954 (VCV002166954.1), dbSNP rs367903680, ClinGen allele CA3890592.
Genomic context (GRCh38, chr6:73,644,501, plus strand): 5'-TGCTCTGGACACGCCTTGGAAGTTCTATTATCTTCTAAAGTTGTATTTGAATCTACCATA[T>C]CCACTAACGCAACACTCAGATTCACACGTAATGCATACACAATGAAGAAACCAAAAAAGG-3'
Protein context (NP_036566.1, residues 56-76): LRVNLSVALV[Asp66Gly]MVDSNTTLED